The following is an entry in ClinVar:

NM_001127222.2(CACNA1A):c.4997G>A (p.Arg1666Gln)

Gene: CACNA1A (calcium voltage-gated channel subunit alpha1 A; minus strand). Cytogenetic location: 19p13.13.
Variant type: single nucleotide variant.
Coding change: c.4997G>A on transcript NM_001127222.2 (MANE Select); coding-DNA position 4997, G replaced by A.
Protein change: p.Arg1666Gln; replaces arginine 1666 with glutamine.
Molecular consequence: missense variant.
Genome position (GRCh38, 1-based): chr19:13,235,684, C>T on the plus strand (G>A on the coding strand, the complement: CACNA1A is on the minus strand). VCF-style: chr19-13235684-C-T. GRCh37 (hg19) VCF-style: chr19-13346498-C-T.
Other names: c.5015G>A, p.Arg1672Gln (NM_000068.4, NM_023035.3); c.5000G>A, p.Arg1667Gln (NM_001127221.2); c.5006G>A, p.Arg1669Gln (NM_001174080.2); short protein forms R1667Q, R1672Q, R1666Q, R1669Q.
Identifiers: ClinVar variation 585575 (VCV000585575.9), dbSNP rs1568447650, ClinGen allele CA404336905.

ClinVar aggregate classification (germline): Conflicting classifications of pathogenicity. Review status: criteria provided, conflicting classifications (1 of 4 stars). 5 submissions from 5 submitters: Pathogenic (1); Likely pathogenic (2); Uncertain significance (2). Last evaluated 2026-08-04.

Conditions:
Spastic ataxia. Identifiers: Orphanet 316226, MedGen C1849156, MONDO:0017845, HP:0002497.
CACNA1A-related disorder. Also called: CACNA1A-related condition.

Submissions (5):

GeneDx
Classification: Pathogenic. Last evaluated: 2026-08-04. Review status: criteria provided, single submitter. Criteria: GeneDx Variant Classification Process June 2021. Collection method: clinical testing. Allele origin: germline.
Comment: Not observed at significant frequency in large population cohorts (gnomAD); In silico analysis supports that this missense variant has a deleterious effect on protein structure/function; This variant is associated with the following publications: (PMID: 33349592, 29482223, 37422902)

Blueprint Genetics
Classification: Likely pathogenic for CACNA1A-related disorders. Last evaluated: 2023-09-08. Review status: criteria provided, single submitter. Criteria: ACMG Guidelines, 2015. Collection method: clinical testing. Allele origin: germline. Affected: yes. Observed: 1 variant allele.

Institute of Medical Genetics and Applied Genomics, University Hospital Tübingen
Classification: Likely pathogenic. Last evaluated: 2020-10-23. Review status: criteria provided, single submitter. Criteria: ACMG Guidelines, 2015. Collection method: clinical testing. Allele origin: germline. Inheritance: Unknown mechanism. Affected: yes.

Care4Rare-SOLVE, CHEO
Classification: Uncertain significance for Spastic Ataxia. Last evaluated: 2019-11-01. Review status: criteria provided, single submitter. Criteria: ACMG Guidelines, 2015. Collection method: research. Allele origin: germline. Affected: yes. Observed: 1 heterozygote. Study: Care4Rare.
Comment: This missense variant in exon 32 has not been seen in healthy control populations (EVS, 1000Genomes, ExAC, gnomAD) and is predicted to impact protein structure/and or function by in silico analysis programs(SIFT, PolyPhen-2, CADD). While no one has been reported with the same nucleic acid base change, one other individual was reported with this same amino acid change and a similar spastic presentation (Coutelier et al. 2018. PMID: 29482223). Two other individuals had a similar amino acid change at this location and also presented with hemiplegic migraines and spasticity. Segregation of this variant in unaffected relatives was not available.

Athena Diagnostics
Classification: Uncertain significance. Last evaluated: 2018-06-04. Review status: criteria provided, single submitter. Criteria: Athena Diagnostics Criteria. Collection method: clinical testing. Allele origin: germline.